The following is an entry in ClinVar:

NM_004371.4(COPA):c.1001A>T (p.His334Leu)

Gene: COPA (coat protein complex I subunit alpha; minus strand). Cytogenetic location: 1q23.2.
Variant type: single nucleotide variant.
Coding change: c.1001A>T on transcript NM_004371.4 (MANE Select); coding-DNA position 1001, A replaced by T.
Protein change: p.His334Leu; replaces histidine 334 with leucine.
Molecular consequence: missense variant.
Genome position (GRCh38, 1-based): chr1:160,311,943, T>A on the plus strand (A>T on the coding strand, the complement: COPA is on the minus strand). VCF-style: chr1-160311943-T-A. GRCh37 (hg19) VCF-style: chr1-160281733-T-A.
Other names: c.1001A>T, p.His334Leu (NM_001098398.2); short protein forms H334L.
Identifiers: ClinVar variation 3719673 (VCV003719673.2).

ClinVar aggregate classification (germline): Uncertain significance (1 of 4 stars; one submission).

Conditions:
Autoimmune interstitial lung disease-arthritis syndrome. Also called: Autoinflammation and autoimmunity, systemic, with immune dysregulation. Identifiers: Orphanet 444092, MedGen C5975714, MONDO:0014629.

Submission:

Labcorp Genetics (formerly Invitae), Labcorp
Classification: Uncertain significance for Autoimmune interstitial lung disease-arthritis syndrome. Last evaluated: 2024-11-04. Review status: criteria provided, single submitter. Criteria: Invitae Variant Classification Sherloc (09022015). Collection method: clinical testing. Allele origin: germline.
Comment: This sequence change replaces histidine, which is basic and polar, with leucine, which is neutral and non-polar, at codon 334 of the COPA protein (p.His334Leu). This variant is not present in population databases (gnomAD no frequency). This variant has not been reported in the literature in individuals affected with COPA-related conditions. Invitae Evidence Modeling of protein sequence and biophysical properties (such as structural, functional, and spatial information, amino acid conservation, physicochemical variation, residue mobility, and thermodynamic stability) indicates that this missense variant is not expected to disrupt COPA protein function with a negative predictive value of 80%. In summary, the available evidence is currently insufficient to determine the role of this variant in disease. Therefore, it has been classified as a Variant of Uncertain Significance.